The following is an entry in ClinVar:

ClinVar aggregate classification (germline): Uncertain significance (1 of 4 stars; one submission).

gnomAD v4.1: 3 of 1,614,188 alleles (0.00019%); highest among the groups gnomAD compares: Non-Finnish European, 0.00025%; no homozygotes.

Submission:

Labcorp Genetics (formerly Invitae), Labcorp
Classification: Uncertain significance. Last evaluated: 2024-06-11. Review status: criteria provided, single submitter. Criteria: Invitae Variant Classification Sherloc (09022015). Collection method: clinical testing. Allele origin: germline.
Comment: This sequence change replaces methionine, which is neutral and non-polar, with isoleucine, which is neutral and non-polar, at codon 665 of the JAK1 protein (p.Met665Ile). This variant is present in population databases (rs372090845, gnomAD 0.0009%). This variant has not been reported in the literature in individuals affected with JAK1-related conditions. Advanced modeling of protein sequence and biophysical properties (such as structural, functional, and spatial information, amino acid conservation, physicochemical variation, residue mobility, and thermodynamic stability) performed at Invitae indicates that this missense variant is not expected to disrupt JAK1 protein function with a negative predictive value of 80%. In summary, the available evidence is currently insufficient to determine the role of this variant in disease. Therefore, it has been classified as a Variant of Uncertain Significance.

NM_002227.4(JAK1):c.1995G>C (p.Met665Ile)

Gene: JAK1 (Janus kinase 1; minus strand). Cytogenetic location: 1p31.3.
Variant type: single nucleotide variant.
Coding change: c.1995G>C on transcript NM_002227.4 (MANE Select); coding-DNA position 1995, G replaced by C.
Protein change: p.Met665Ile; replaces methionine 665 with isoleucine.
Molecular consequence: missense variant.
Genome position (GRCh38, 1-based): chr1:64,845,633, C>G on the plus strand (G>C on the coding strand, the complement: JAK1 is on the minus strand). VCF-style: chr1-64845633-C-G. GRCh37 (hg19) VCF-style: chr1-65311316-C-G.
Other names: c.1995G>C, p.Met665Ile (NM_001320923.2, NM_001321852.2, NM_001321853.2 and 3 more transcripts); c.1992G>C, p.Met664Ile (NM_001321857.2); short protein forms M664I, M665I.
Identifiers: ClinVar variation 3674244 (VCV003674244.2).